The following is an entry in ClinVar:

NC_000002.11:g.(?_112751828)_(112753086_?)del

Gene: MERTK (MER proto-oncogene, tyrosine kinase; plus strand). Cytogenetic location: 2q13.
Variant type: Deletion.
Identifiers: ClinVar variation 1072546 (VCV001072546.1).

ClinVar aggregate classification (germline): Pathogenic (1 of 4 stars; one submission).

Submission:

Labcorp Genetics (formerly Invitae), Labcorp
Classification: Pathogenic. Last evaluated: 2020-03-24. Review status: criteria provided, single submitter. Criteria: Invitae Variant Classification Sherloc (09022015). Collection method: clinical testing. Allele origin: germline.
Comment: This variant is an out-of-frame deletion of the genomic region encompassing exon(s) 9 of the MERTK gene. This is expected to create a premature translational stop signal and result in an absent or disrupted protein product. This variant has not been reported in the literature in individuals with MERTK-related conditions. Loss-of-function variants in MERTK are known to be pathogenic (PMID: 24265693, 29659094). For these reasons, this variant has been classified as Pathogenic.

Literature cited by the submitters: PubMed 24265693; PubMed 29659094.